The following is an entry in ClinVar:

ClinVar aggregate classification (germline): Likely pathogenic (1 of 4 stars; one submission).

Submission:

Labcorp Genetics (formerly Invitae), Labcorp
Classification: Likely pathogenic. Last evaluated: 2024-01-22. Review status: criteria provided, single submitter. Criteria: Invitae Variant Classification Sherloc (09022015). Collection method: clinical testing. Allele origin: germline.
Comment: This sequence change affects an acceptor splice site in intron 2 of the GFM1 gene. It is expected to disrupt RNA splicing. Variants that disrupt the donor or acceptor splice site typically lead to a loss of protein function (PMID: 16199547), and loss-of-function variants in GFM1 are known to be pathogenic (PMID: 16632485, 17160893). This variant is not present in population databases (gnomAD no frequency). This variant has not been reported in the literature in individuals affected with GFM1-related conditions. Algorithms developed to predict the effect of sequence changes on RNA splicing suggest that this variant may disrupt the consensus splice site. In summary, the currently available evidence indicates that the variant is pathogenic, but additional data are needed to prove that conclusively. Therefore, this variant has been classified as Likely Pathogenic.

Literature cited by the submitters: PubMed 16199547; PubMed 16632485; PubMed 17160893.

NM_024996.7(GFM1):c.235-1G>A

Gene: GFM1 (G elongation factor mitochondrial 1; plus strand). Cytogenetic location: 3q25.32.
Variant type: single nucleotide variant.
Coding change: c.235-1G>A on transcript NM_024996.7 (MANE Select); the canonical splice acceptor site of the intron before coding-DNA position 235, G replaced by A.
Molecular consequence: splice acceptor variant. On other transcripts: intron variant (4).
Genome position (GRCh38, 1-based): chr3:158,646,164, G>A. VCF-style: chr3-158646164-G-A. GRCh37 (hg19) VCF-style: chr3-158363953-G-A.
Other names: c.235-1G>A (NM_001308164.2, NM_001374355.1, NM_001374356.1 and 1 more transcripts); c.10-1G>A (NM_001374357.1); c.5+383G>A (NM_001374359.1, NM_001374360.1, NM_001374361.1); c.234+383G>A (NM_001374358.1).
Identifiers: ClinVar variation 2710901 (VCV002710901.3), dbSNP rs2473937795, ClinGen allele CA355175414.